The following is an entry in ClinVar:

ClinVar aggregate classification (germline): Uncertain significance. Review status: criteria provided, multiple submitters, no conflicts (2 of 4 stars). 2 submissions from 2 submitters: Uncertain significance (2). Last evaluated 2024-02-07.

Conditions:
Congenital myotonia, autosomal recessive form. Also called: Becker Generalized Myotonia; BECKER DISEASE; myotonia congenita, autosomal recessive. Identifiers: Orphanet 614, MedGen C0751360, MONDO:0009715, OMIM 255700.
Congenital myotonia, autosomal dominant form (THD). Also called: THOMSEN DISEASE; Myotonia congenita autosomal dominant. Identifiers: Orphanet 614, MedGen C2936781, MONDO:0008055, OMIM 160800.

Allele frequency attached by ClinVar (database versions not stated): gnomAD exomes below 0.00001.
gnomAD v4.1: 1 of 1,614,162 alleles (0.000062%); highest among the groups gnomAD compares: Non-Finnish European, 0.000085%; no homozygotes.

Submissions (2):

GeneDx
Classification: Uncertain significance. Last evaluated: 2024-02-07. Review status: criteria provided, single submitter. Criteria: GeneDx Variant Classification Process June 2021. Collection method: clinical testing. Allele origin: germline. Affected: yes.
Comment: Not observed at significant frequency in large population cohorts (gnomAD); In silico analysis supports that this missense variant has a deleterious effect on protein structure/function; This variant is associated with the following publications: (PMID: 29935101, 26502825, 33263785)

Labcorp Genetics (formerly Invitae), Labcorp
Classification: Uncertain significance for Congenital myotonia, autosomal recessive form; Congenital myotonia, autosomal dominant form. Last evaluated: 2019-05-09. Review status: criteria provided, single submitter. Criteria: Invitae Variant Classification Sherloc (09022015). Collection method: clinical testing. Allele origin: germline.
Comment: This sequence change replaces glycine with glutamic acid at codon 855 of the CLCN1 protein (p.Gly855Glu). The glycine residue is highly conserved and there is a moderate physicochemical difference between glycine and glutamic acid. This variant is not present in population databases (ExAC no frequency). This variant has been reported as heterozygous in combination with a second CLCN1 variant in an individual affected with myotonia (PMID: 26502825). Algorithms developed to predict the effect of missense changes on protein structure and function do not agree on the potential impact of this missense change (SIFT: "Deleterious"; PolyPhen-2: "Probably Damaging"; Align-GVGD: "Class C0"). In summary, the available evidence is currently insufficient to determine the role of this variant in disease. Therefore, it has been classified as a Variant of Uncertain Significance.

Literature cited by the submitters: PubMed 26502825 (cited by Labcorp Genetics (formerly Invitae), Labcorp).

NM_000083.3(CLCN1):c.2564G>A (p.Gly855Glu)

Gene: CLCN1 (chloride voltage-gated channel 1; plus strand). Cytogenetic location: 7q34.
Variant type: single nucleotide variant.
Coding change: c.2564G>A on transcript NM_000083.3 (MANE Select); coding-DNA position 2564, G replaced by A.
Protein change: p.Gly855Glu; replaces glycine 855 with glutamic acid.
Molecular consequence: missense variant. On other transcripts: non-coding transcript variant (1).
Genome position (GRCh38, 1-based): chr7:143,350,623, G>A. VCF-style: chr7-143350623-G-A. GRCh37 (hg19) VCF-style: chr7-143047716-G-A.
Other names: short protein forms G855E.
Identifiers: ClinVar variation 531749 (VCV000531749.11), dbSNP rs1554439879, ClinGen allele CA369653279.